The following is an entry in ClinVar:

ClinVar aggregate classification (germline): Uncertain significance (1 of 4 stars; one submission).

Conditions:
Hereditary cancer-predisposing syndrome. Also called: Tumor predisposition; Hereditary Cancer Syndrome; Hereditary neoplastic syndrome; Neoplastic Syndromes, Hereditary. Identifiers: Orphanet 140162, MedGen C0027672, MeSH D009386, MONDO:0015356.

Submission:

Ambry Genetics
Classification: Uncertain significance for Hereditary cancer-predisposing syndrome. Last evaluated: 2023-08-01. Review status: criteria provided, single submitter. Criteria: Ambry Variant Classification Scheme 2023. Collection method: clinical testing. Allele origin: germline.
Comment: The p.L1223M variant (also known as c.3667T>A), located in coding exon 17 of the MET gene, results from a T to A substitution at nucleotide position 3667. The leucine at codon 1223 is replaced by methionine, an amino acid with highly similar properties. This amino acid position is conserved. In addition, the in silico prediction for this alteration is inconclusive. Since supporting evidence is limited at this time, the clinical significance of this alteration remains unclear.

NM_000245.4(MET):c.3613T>A (p.Leu1205Met)

Gene: MET (MET proto-oncogene, receptor tyrosine kinase; plus strand). Cytogenetic location: 7q31.2.
Variant type: single nucleotide variant.
Coding change: c.3613T>A on transcript NM_000245.4 (MANE Select); coding-DNA position 3613, T replaced by A.
Protein change: p.Leu1205Met; replaces leucine 1205 with methionine.
Molecular consequence: missense variant.
Genome position (GRCh38, 1-based): chr7:116,782,078, T>A. VCF-style: chr7-116782078-T-A. GRCh37 (hg19) VCF-style: chr7-116422132-T-A.
Other names: c.3667T>A, p.Leu1223Met (NM_001127500.3); c.2323T>A, p.Leu775Met (NM_001324402.2); short protein forms L1205M, L1223M, L775M.
Identifiers: ClinVar variation 2587486 (VCV002587486.2), dbSNP rs886042262, ClinGen allele CA368991203.
Genomic context (GRCh38, chr7:116,782,078, plus strand): 5'-GGTCTTCAAGTAGCCAAAGGCATGAAATATCTTGCAAGCAAAAAGTTTGTCCACAGAGAC[T>A]TGGCTGCAAGAAACTGTATGTAAGTATCAGAATCTCTGTGCCACAATCCAAATTAAGTGA-3'
Protein context (NP_000236.2, residues 1195-1215): LASKKFVHRD[Leu1205Met]AARNCMLDEK